The following is an entry in ClinVar:

ClinVar aggregate classification (germline): Benign/Likely benign. Review status: criteria provided, multiple submitters, no conflicts (2 of 4 stars). 10 submissions from 10 submitters: Benign (7); Likely benign (1). 2 of the submissions do not count toward it. Last evaluated 2026-02-04.

Conditions:
Combined immunodeficiency due to DOCK8 deficiency (HIES2). Also called: HIES autosomal recessive; HYPER-IgE SYNDROME 2, AUTOSOMAL RECESSIVE, WITH RECURRENT INFECTIONS; DOCK8 Deficiency; HYPER-IgE RECURRENT INFECTION SYNDROME 2, AUTOSOMAL RECESSIVE; Hyper-IgE recurrent infection syndrome, autosomal recessive. Identifiers: Orphanet 217390, MedGen C4722305, MONDO:0009478, OMIM 243700.

Allele frequency attached by ClinVar (database versions not stated): ESP Exome Variant Server 0.55828; TOPMed 0.58623; 1000 Genomes Project 30x 0.62227; 1000 Genomes Project 0.63299.
gnomAD v4.1: 1,101,343 of 1,605,654 alleles (69%); highest among the groups gnomAD compares: East Asian, 99%; 386,934 homozygotes.

Submissions (10):

Labcorp Genetics (formerly Invitae), Labcorp
Classification: Benign for Combined immunodeficiency due to DOCK8 deficiency. Last evaluated: 2026-02-04. Review status: criteria provided, single submitter. Criteria: Invitae Variant Classification Sherloc (09022015). Collection method: clinical testing. Allele origin: germline.

Women's Health and Genetics/Laboratory Corporation of America, LabCorp
Classification: Benign. Last evaluated: 2026-01-21. Review status: criteria provided, single submitter. Criteria: LabCorp Variant Classification Summary - May 2015. Collection method: clinical testing. Allele origin: germline.

Blueprint Genetics
Classification: Likely benign. Last evaluated: 2024-11-27. Review status: criteria provided, single submitter. Criteria: ACMG Guidelines, 2015. Collection method: clinical testing. Allele origin: germline.

Unidad de Genómica Garrahan, Hospital de Pediatría Garrahan
Classification: Benign. Last evaluated: 2023-11-12. Review status: criteria provided, single submitter. Criteria: ACMG Guidelines, 2015. Collection method: clinical testing. Allele origin: germline. Affected: no. Observed: 90 variant alleles.
Comment: This variant is classified as Benign based on local population frequency. This variant was detected in 94% of patients studied by a panel of primary immunodeficiencies. Number of patients: 90. Only high quality variants are reported.

Genome-Nilou Lab
Classification: Benign for Combined immunodeficiency due to DOCK8 deficiency. Last evaluated: 2021-07-14. Review status: criteria provided, single submitter. Criteria: ACMG Guidelines, 2015. Collection method: clinical testing. Allele origin: germline. Affected: no.

GeneDx
Classification: Benign. Last evaluated: 2015-03-03. Review status: criteria provided, single submitter. Criteria: GeneDx Variant Classification Process June 2021. Collection method: clinical testing. Allele origin: germline. Affected: yes.

Breakthrough Genomics
Classification: Benign. Review status: criteria provided, single submitter. Criteria: ACMG Guidelines, 2015. Collection method: not provided. Allele origin: germline. Inheritance: Autosomal recessive inheritance. Affected: yes.

PreventionGenetics, part of Exact Sciences
Classification: Benign. Review status: criteria provided, single submitter. Criteria: ACMG Guidelines, 2015. Collection method: clinical testing. Allele origin: germline.

Diagnostic Laboratory, Department of Genetics, University Medical Center Groningen
Classification: Benign. Review status: no assertion criteria provided. Collection method: clinical testing. Allele origin: germline. Affected: yes. Study: VKGL Data-share Consensus. Not counted in ClinVar's aggregate classification.

Genome Diagnostics Laboratory, University Medical Center Utrecht
Classification: Benign. Review status: no assertion criteria provided. Collection method: clinical testing. Allele origin: germline. Affected: yes. Study: VKGL Data-share Consensus. Not counted in ClinVar's aggregate classification.

NM_203447.4(DOCK8):c.5581-18G>C

Gene: DOCK8 (dedicator of cytokinesis 8; plus strand). Cytogenetic location: 9p24.3.
Variant type: single nucleotide variant.
Coding change: c.5581-18G>C on transcript NM_203447.4 (MANE Select); 18 bases into the intron before coding-DNA position 5581, G replaced by C.
Molecular consequence: intron variant.
Genome position (GRCh38, 1-based): chr9:446,352, G>C. VCF-style: chr9-446352-G-C. GRCh37 (hg19) VCF-style: chr9-446352-G-C.
Other names: c.5377-18G>C (NM_001193536.2); c.5281-18G>C (NM_001190458.2).
Identifiers: ClinVar variation 263270 (VCV000263270.23), dbSNP rs10814952, ClinGen allele CA4959479.
Genomic context (GRCh38, chr9:446,352, plus strand): 5'-TGCATGCCCCTCCATTGCGTCAGGGATGGCCGTTTGCAGAATAGCTCATCTTCTCCCTCC[G>C]TGCCTTTTCCCCCTTAGGCCTACATACAGATCACTTTTGTGGAGCCCTACTTTGATGAGT-3'